The following is an entry in ClinVar:

ClinVar aggregate classification (germline): Uncertain significance. Review status: criteria provided, multiple submitters, no conflicts (2 of 4 stars). 2 submissions from 2 submitters: Uncertain significance (2). Last evaluated 2025-07-29.

Conditions:
Tietz syndrome (TADS). Also called: ALBINISM-DEAFNESS OF TIETZ; TIETZ ALBINISM-DEAFNESS SYNDROME; HYPOPIGMENTATION/DEAFNESS OF TIETZ. Identifiers: Orphanet 42665, MedGen C0391816, MONDO:0007077, OMIM 103500.
Waardenburg syndrome type 2A (WS2A). Also called: WAARDENBURG SYNDROME WITHOUT DYSTOPIA CANTHORUM. Identifiers: Orphanet 3440, MedGen C1860339, MONDO:0008671, OMIM 193510.
Melanoma, cutaneous malignant, susceptibility to, 8. Also called: MELANOMA AND RENAL CELL CARCINOMA, SUSCEPTIBILITY TO; Cutaneous malignant melanoma 8. Identifiers: Orphanet 293822, MedGen C3152204, MONDO:0013759, OMIM 614456.

Allele frequency attached by ClinVar (database versions not stated): gnomAD exomes 0.00001.
gnomAD v4.1: 10 of 1,614,008 alleles (0.00062%); highest among the groups gnomAD compares: Middle Eastern, 0.033%; no homozygotes.

Submissions (2):

Labcorp Genetics (formerly Invitae), Labcorp
Classification: Uncertain significance for Melanoma, cutaneous malignant, susceptibility to, 8; Waardenburg syndrome type 2A; Tietz syndrome. Last evaluated: 2025-07-29. Review status: criteria provided, single submitter. Criteria: Invitae Variant Classification Sherloc (09022015). Collection method: clinical testing. Allele origin: germline.
Comment: This sequence change replaces aspartic acid, which is acidic and polar, with asparagine, which is neutral and polar, at codon 342 of the MITF protein (p.Asp342Asn). This variant is not present in population databases (gnomAD no frequency). This variant has not been reported in the literature in individuals affected with MITF-related conditions. ClinVar contains an entry for this variant (Variation ID: 1312559). Invitae Evidence Modeling of protein sequence and biophysical properties (such as structural, functional, and spatial information, amino acid conservation, physicochemical variation, residue mobility, and thermodynamic stability) indicates that this missense variant is not expected to disrupt MITF protein function with a negative predictive value of 80%. In summary, the available evidence is currently insufficient to determine the role of this variant in disease. Therefore, it has been classified as a Variant of Uncertain Significance.

GeneDx
Classification: Uncertain significance. Last evaluated: 2024-05-28. Review status: criteria provided, single submitter. Criteria: GeneDx Variant Classification Process June 2021. Collection method: clinical testing. Allele origin: germline. Affected: yes.
Comment: Not observed at significant frequency in large population cohorts (gnomAD); In silico analysis indicates that this missense variant does not alter protein structure/function; Has not been previously published as pathogenic or benign to our knowledge

NM_001354604.2(MITF):c.1345G>A (p.Asp449Asn)

Gene: MITF (melanocyte inducing transcription factor; plus strand). Cytogenetic location: 3p13.
Variant type: single nucleotide variant.
Coding change: c.1345G>A on transcript NM_001354604.2 (MANE Select); coding-DNA position 1345, G replaced by A.
Protein change: p.Asp449Asn; replaces aspartic acid 449 with asparagine.
Molecular consequence: missense variant.
Genome position (GRCh38, 1-based): chr3:69,965,012, G>A. VCF-style: chr3-69965012-G-A. GRCh37 (hg19) VCF-style: chr3-70014163-G-A.
Other names: c.1171G>A, p.Asp391Asn (NM_001354608.2, NM_001184967.2); c.1324G>A, p.Asp442Asn (NM_006722.3, NM_001354606.2); c.1024G>A, p.Asp342Asn (NM_000248.4); c.1342G>A, p.Asp448Asn (NM_001354605.2); c.1276G>A, p.Asp426Asn (NM_001354607.2); c.1006G>A, p.Asp336Asn (NM_198158.3); c.1327G>A, p.Asp443Asn (NM_198159.3); c.1279G>A, p.Asp427Asn (NM_198177.3); and 1 more; short protein forms D280N, D336N, D342N, D391N, D426N, D427N, D442N, D443N.
Identifiers: ClinVar variation 1312559 (VCV001312559.8), dbSNP rs868519483, ClinGen allele CA77003523.